The following is an entry in ClinVar:

ClinVar aggregate classification (germline): Uncertain significance (1 of 4 stars; one submission).

Allele frequency attached by ClinVar (database versions not stated): gnomAD exomes below 0.00001.
gnomAD v4.1: 1 of 1,612,048 alleles (0.000062%); highest among the groups gnomAD compares: Non-Finnish European, 0.000085%; no homozygotes.

Submission:

Labcorp Genetics (formerly Invitae), Labcorp
Classification: Uncertain significance. Last evaluated: 2024-09-16. Review status: criteria provided, single submitter. Criteria: Invitae Variant Classification Sherloc (09022015). Collection method: clinical testing. Allele origin: germline.
Comment: This sequence change replaces proline, which is neutral and non-polar, with serine, which is neutral and polar, at codon 759 of the ZNF341 protein (p.Pro759Ser). This variant is not present in population databases (gnomAD no frequency). This variant has not been reported in the literature in individuals affected with ZNF341-related conditions. ClinVar contains an entry for this variant (Variation ID: 1974116). An algorithm developed to predict the effect of missense changes on protein structure and function outputs the following: PolyPhen-2: "Benign". The serine amino acid residue is found in multiple mammalian species, which suggests that this missense change does not adversely affect protein function. In summary, the available evidence is currently insufficient to determine the role of this variant in disease. Therefore, it has been classified as a Variant of Uncertain Significance.

NM_001282933.2(ZNF341):c.2296C>T (p.Pro766Ser)

Genes: ZNF341 (zinc finger protein 341; plus strand), ZNF341-AS1 (ZNF341 antisense RNA 1; minus strand). Cytogenetic location: 20q11.22.
Variant type: single nucleotide variant.
Coding change: c.2296C>T on transcript NM_001282933.2 (MANE Select); coding-DNA position 2296, C replaced by T.
Protein change: p.Pro766Ser; replaces proline 766 with serine.
Molecular consequence: missense variant. On other transcripts: non-coding transcript variant (1).
Genome position (GRCh38, 1-based): chr20:33,791,248, C>T. VCF-style: chr20-33791248-C-T. GRCh37 (hg19) VCF-style: chr20-32379054-C-T.
Other names: c.2026C>T, p.Pro676Ser (NM_001282935.2); c.2275C>T, p.Pro759Ser (NM_032819.5); short protein forms P759S, P766S, P676S.
Identifiers: ClinVar variation 1974116 (VCV001974116.5), dbSNP rs1269336297, ClinGen allele CA408642266.
Genomic context (GRCh38, chr20:33,791,248, plus strand): 5'-CCCCCCCAGAGGAGGGCAGCCCCCCGCAGTTGCGGCAGTGGTGGGCGCAAGGTGCTGACC[C>T]CCTTGCCTGACCCGCTGGGGCTGGAGGAGCTGAAGGACACAGGGGCTGGGCTGGTGCCCG-3'
Protein context (NP_001269862.1, residues 756-776): CGSGGRKVLT[Pro766Ser]LPDPLGLEEL